The following is an entry in ClinVar:

ClinVar aggregate classification (germline): Uncertain significance (1 of 4 stars; one submission).

Allele frequency attached by ClinVar (database versions not stated): gnomAD exomes below 0.00001; gnomAD 0.00001.
gnomAD v4.1: 6 of 1,613,434 alleles (0.00037%); highest among the groups gnomAD compares: African/African-American, 0.0013%; no homozygotes.

Submission:

Labcorp Genetics (formerly Invitae), Labcorp
Classification: Uncertain significance. Last evaluated: 2025-01-20. Review status: criteria provided, single submitter. Criteria: Invitae Variant Classification Sherloc (09022015). Collection method: clinical testing. Allele origin: germline.
Comment: This sequence change replaces arginine, which is basic and polar, with tryptophan, which is neutral and slightly polar, at codon 911 of the IL6ST protein (p.Arg911Trp). The frequency data for this variant in the population databases is considered unreliable, as metrics indicate poor data quality at this position in the gnomAD database. This variant has not been reported in the literature in individuals affected with IL6ST-related conditions. ClinVar contains an entry for this variant (Variation ID: 2791185). An algorithm developed to predict the effect of missense changes on protein structure and function (PolyPhen-2) suggests that this variant is likely to be disruptive. In summary, the available evidence is currently insufficient to determine the role of this variant in disease. Therefore, it has been classified as a Variant of Uncertain Significance.

NM_002184.4(IL6ST):c.2731C>T (p.Arg911Trp)

Gene: IL6ST (interleukin 6 cytokine family signal transducer; minus strand). Cytogenetic location: 5q11.2.
Variant type: single nucleotide variant.
Coding change: c.2731C>T on transcript NM_002184.4 (MANE Select); coding-DNA position 2731, C replaced by T.
Protein change: p.Arg911Trp; replaces arginine 911 with tryptophan.
Molecular consequence: missense variant. On other transcripts: 3 prime UTR variant (1), non-coding transcript variant (2).
Genome position (GRCh38, 1-based): chr5:55,941,108, G>A on the plus strand (C>T on the coding strand, the complement: IL6ST is on the minus strand). VCF-style: chr5-55941108-G-A. GRCh37 (hg19) VCF-style: chr5-55236936-G-A.
Other names: c.2548C>T, p.Arg850Trp (NM_001190981.2); c.2629C>T, p.Arg877Trp (NM_001364275.2); c.2521C>T, p.Arg841Trp (NM_001364276.2); c.1864C>T, p.Arg622Trp (NM_001364277.2); c.1828C>T, p.Arg610Trp (NM_001364278.2); c.1735C>T, p.Arg579Trp (NM_001364279.2); c.*1658C>T (NM_175767.3); short protein forms R850W, R877W, R579W, R622W, R841W, R911W, R610W.
Identifiers: ClinVar variation 2791185 (VCV002791185.3), dbSNP rs1266664090, ClinGen allele CA359777313.
Genomic context (GRCh38, chr5:55,941,108, plus strand): 5'-TACTGCTGAAGTTGTAGCAGGAACTACTAGTCCTTCACTGAGGCATGTAGCCGCCTTGCC[G>A]TACAGTCTGTGGTAAGTAACTTTTAGGCATGCCTTCATCAGTCGCAGCCTCCATGCCAAC-3'
Protein context (NP_002175.2, residues 901-918): MPKSYLPQTV[Arg911Trp]QGGYMPQ